The following is an entry in ClinVar:

ClinVar aggregate classification (germline): Uncertain significance. Review status: criteria provided, multiple submitters, no conflicts (2 of 4 stars). 3 submissions from 3 submitters: Uncertain significance (3). Last evaluated 2025-10-26.

Conditions:
Sucrase-isomaltase deficiency (CSID). Also called: SI DEFICIENCY; Deficiency of isomaltase; Congenital sucrose isomaltose malabsorption; Sucrose isomaltose enzyme deficiency. Identifiers: Orphanet 35122, MedGen C1283620, MONDO:0009114, OMIM 222900.
Inborn genetic diseases. Identifiers: MedGen C0950123, MeSH D030342.

Allele frequency attached by ClinVar (database versions not stated): gnomAD 0.00002; gnomAD exomes 0.00002; TOPMed 0.00004; ESP Exome Variant Server 0.00008.
gnomAD v4.1: 25 of 1,610,672 alleles (0.0016%); highest among the groups gnomAD compares: Non-Finnish European, 0.0019%; no homozygotes.

Submissions (3):

Labcorp Genetics (formerly Invitae), Labcorp
Classification: Uncertain significance. Last evaluated: 2025-10-26. Review status: criteria provided, single submitter. Criteria: Invitae Variant Classification Sherloc (09022015). Collection method: clinical testing. Allele origin: germline.
Comment: This sequence change replaces serine, which is neutral and polar, with asparagine, which is neutral and polar, at codon 1081 of the SI protein (p.Ser1081Asn). This variant is present in population databases (rs376341511, gnomAD 0.004%). This variant has not been reported in the literature in individuals affected with SI-related conditions. ClinVar contains an entry for this variant (Variation ID: 344031). Invitae Evidence Modeling of protein sequence and biophysical properties (such as structural, functional, and spatial information, amino acid conservation, physicochemical variation, residue mobility, and thermodynamic stability) indicates that this missense variant is not expected to disrupt SI protein function with a negative predictive value of 95%. In summary, the available evidence is currently insufficient to determine the role of this variant in disease. Therefore, it has been classified as a Variant of Uncertain Significance.

Ambry Genetics
Classification: Uncertain significance for Inborn genetic diseases. Last evaluated: 2022-08-11. Review status: criteria provided, single submitter. Criteria: Ambry Variant Classification Scheme 2023. Collection method: clinical testing. Allele origin: germline.

Illumina Laboratory Services, Illumina
Classification: Uncertain significance for Sucrase-isomaltase deficiency. Last evaluated: 2018-01-12. Review status: criteria provided, single submitter. Criteria: ICSL Variant Classification Criteria 13 December 2019. Collection method: clinical testing. Allele origin: germline.

NM_001041.4(SI):c.3242G>A (p.Ser1081Asn)

Gene: SI (sucrase-isomaltase; minus strand). Cytogenetic location: 3q26.1.
Variant type: single nucleotide variant.
Coding change: c.3242G>A on transcript NM_001041.4 (MANE Select); coding-DNA position 3242, G replaced by A.
Protein change: p.Ser1081Asn; replaces serine 1081 with asparagine.
Molecular consequence: missense variant.
Genome position (GRCh38, 1-based): chr3:165,021,241, C>T on the plus strand (G>A on the coding strand, the complement: SI is on the minus strand). VCF-style: chr3-165021241-C-T. GRCh37 (hg19) VCF-style: chr3-164739029-C-T.
Other names: short protein forms S1081N.
Identifiers: ClinVar variation 344031 (VCV000344031.10), dbSNP rs376341511, ClinGen allele CA2690342.
Genomic context (GRCh38, chr3:165,021,241, plus strand): 5'-TAAGCTAAAATTAAAATATCCTTTATATCAAATAATTCAATTACTTACATGACTCTTCCA[C>T]TGCTTCTCCGTCGAATCTGGATGCCAAAAGGATTTTCCTTGATTTCCACATCATAAAGTC-3'
Protein context (NP_001032.2, residues 1071-1091): PFGIQIRRRS[Ser1081Asn]GRVIWDSWLP